The following is an entry in ClinVar:

ClinVar aggregate classification (germline): Uncertain significance (1 of 4 stars; one submission).

Conditions:
Hereditary cancer-predisposing syndrome. Also called: Neoplastic Syndromes, Hereditary; Tumor predisposition; Hereditary neoplastic syndrome; Hereditary Cancer Syndrome. Identifiers: Orphanet 140162, MedGen C0027672, MeSH D009386, MONDO:0015356.

Submission:

Ambry Genetics
Classification: Uncertain significance for Hereditary cancer-predisposing syndrome. Last evaluated: 2026-07-27. Review status: criteria provided, single submitter. Criteria: Ambry Variant Classification Scheme 2023. Collection method: clinical testing. Allele origin: germline.
Comment: The p.L174P variant (also known as c.521T>C), located in coding exon 1 of the HOXB13 gene, results from a T to C substitution at nucleotide position 521. The leucine at codon 174 is replaced by proline, an amino acid with similar properties. This amino acid position is conserved. In addition, the in silico prediction for this alteration is inconclusive. Based on the available evidence, the clinical significance of this variant remains unclear.

NM_006361.6(HOXB13):c.521T>C (p.Leu174Pro)

Gene: HOXB13 (homeobox B13; minus strand). Cytogenetic location: 17q21.32.
Variant type: single nucleotide variant.
Coding change: c.521T>C on transcript NM_006361.6 (MANE Select); coding-DNA position 521, T replaced by C.
Protein change: p.Leu174Pro; replaces leucine 174 with proline.
Molecular consequence: missense variant.
Genome position (GRCh38, 1-based): chr17:48,728,073, A>G on the plus strand (T>C on the coding strand, the complement: HOXB13 is on the minus strand). VCF-style: chr17-48728073-A-G. GRCh37 (hg19) VCF-style: chr17-46805435-A-G.
Other names: short protein forms L174P.
Identifiers: ClinVar variation 5022705 (VCV005022705.1).
Genomic context (GRCh38, chr17:48,728,073, plus strand): 5'-AAGGGACCTGGTGGGTTCTGTTCTCCCTGGCAACACATCTGGCTGTTCCAGCCACCAGCG[A>G]GAGCCCAAGACTGGTAACTGTCCACAGGCAACAGGGAGTCATGTCGCGGTTCTCCAGGAG-3'
Protein context (NP_006352.2, residues 164-184): LPVDSYQSWA[Leu174Pro]AGGWNSQMCC